The following is an entry in ClinVar:

NM_182919.4(TICAM1):c.223C>A (p.Arg75Ser)

Gene: TICAM1 (TIR domain containing adaptor molecule 1; minus strand). Cytogenetic location: 19p13.3.
Variant type: single nucleotide variant.
Coding change: c.223C>A on transcript NM_182919.4 (MANE Select); coding-DNA position 223, C replaced by A.
Protein change: p.Arg75Ser; replaces arginine 75 with serine.
Molecular consequence: missense variant. On other transcripts: intron variant (1).
Genome position (GRCh38, 1-based): chr19:4,818,155, G>T on the plus strand (C>A on the coding strand, the complement: TICAM1 is on the minus strand). VCF-style: chr19-4818155-G-T. GRCh37 (hg19) VCF-style: chr19-4818167-G-T.
Other names: c.181C>A, p.Arg61Ser (NM_001385678.1); c.88C>A, p.Arg30Ser (NM_001385679.1); c.-72+229C>A (NM_001385680.1); short protein forms R30S, R61S, R75S.
Identifiers: ClinVar variation 1011997 (VCV001011997.8), dbSNP rs11466719, ClinGen allele CA403493263.

ClinVar aggregate classification (germline): Uncertain significance (1 of 4 stars; one submission).

Conditions:
Encephalopathy, acute, infection-induced (herpes-specific), susceptibility to, 6. Also called: Herpes simplex encephalitis, susceptibility to, 4. Identifiers: Orphanet 1930, MedGen C3553869, MONDO:0013921, OMIM 614850.

gnomAD v4.1: 23 of 1,609,320 alleles (0.0014%); highest among the groups gnomAD compares: Non-Finnish European, 0.0019%; no homozygotes.

Submission:

Labcorp Genetics (formerly Invitae), Labcorp
Classification: Uncertain significance for Encephalopathy, acute, infection-induced (herpes-specific), susceptibility to, 6. Last evaluated: 2022-07-11. Review status: criteria provided, single submitter. Criteria: Invitae Variant Classification Sherloc (09022015). Collection method: clinical testing. Allele origin: germline.
Comment: This sequence change replaces arginine, which is basic and polar, with serine, which is neutral and polar, at codon 75 of the TICAM1 protein (p.Arg75Ser). The frequency data for this variant in the population databases is considered unreliable, as metrics indicate poor data quality at this position in the gnomAD database. This variant has not been reported in the literature in individuals affected with TICAM1-related conditions. ClinVar contains an entry for this variant (Variation ID: 1011997). Algorithms developed to predict the effect of missense changes on protein structure and function (SIFT, PolyPhen-2, Align-GVGD) all suggest that this variant is likely to be tolerated. In summary, the available evidence is currently insufficient to determine the role of this variant in disease. Therefore, it has been classified as a Variant of Uncertain Significance.